The following is an entry in ClinVar:

NM_001447.3(FAT2):c.3574+2T>C

Gene: FAT2 (FAT atypical cadherin 2; minus strand). Cytogenetic location: 5q33.1.
Variant type: single nucleotide variant.
Coding change: c.3574+2T>C on transcript NM_001447.3 (MANE Select); the canonical splice donor site of the intron after coding-DNA position 3574, T replaced by C.
Molecular consequence: splice donor variant.
Genome position (GRCh38, 1-based): chr5:151,563,323, A>G on the plus strand (T>C on the coding strand, the complement: FAT2 is on the minus strand). VCF-style: chr5-151563323-A-G. GRCh37 (hg19) VCF-style: chr5-150942884-A-G.
Identifiers: ClinVar variation 3659836 (VCV003659836.2).
Genomic context (GRCh38, chr5:151,563,323, plus strand): 5'-GCCCACAATTTGAGAACCACCATTGTAGAGATCCCTGTTCACCCAGCTTTTTGGATCCTT[A>G]CCTGTAACAGGGTGAATCATAAAGAATCCCATGTAGTTCCCACTGGTGATGTTGAAGGTC-3'

ClinVar aggregate classification (germline): Uncertain significance (1 of 4 stars; one submission).

gnomAD v4.1: 108 of 1,612,788 alleles (0.0067%); highest among the groups gnomAD compares: Non-Finnish European, 0.0088%; no homozygotes.

Submission:

Labcorp Genetics (formerly Invitae), Labcorp
Classification: Uncertain significance. Last evaluated: 2024-09-29. Review status: criteria provided, single submitter. Criteria: Invitae Variant Classification Sherloc (09022015). Collection method: clinical testing. Allele origin: germline.
Comment: This sequence change affects a donor splice site in intron 2 of the FAT2 gene. It is expected to disrupt RNA splicing. Variants that disrupt the donor or acceptor splice site typically lead to a loss of protein function (PMID: 16199547), however the current clinical and genetic evidence is not sufficient to establish whether loss-of-function variants in FAT2 cause disease. This variant is present in population databases (rs747386155, gnomAD 0.005%). This variant has not been reported in the literature in individuals affected with FAT2-related conditions. Algorithms developed to predict the effect of sequence changes on RNA splicing suggest that this variant may disrupt the consensus splice site. In summary, the available evidence is currently insufficient to determine the role of this variant in disease. Therefore, it has been classified as a Variant of Uncertain Significance.

Literature cited by the submitters: PubMed 16199547.